The following is an entry in ClinVar:

NM_000195.5(HPS1):c.201C>G (p.Asp67Glu)

Gene: HPS1 (HPS1 biogenesis of lysosomal organelles complex 3 subunit 1; minus strand). Cytogenetic location: 10q24.2.
Variant type: single nucleotide variant.
Coding change: c.201C>G on transcript NM_000195.5 (MANE Select); coding-DNA position 201, C replaced by G.
Protein change: p.Asp67Glu; replaces aspartic acid 67 with glutamic acid.
Molecular consequence: missense variant. On other transcripts: 5 prime UTR variant (6).
Genome position (GRCh38, 1-based): chr10:98,435,689, G>C on the plus strand (C>G on the coding strand, the complement: HPS1 is on the minus strand). VCF-style: chr10-98435689-G-C. GRCh37 (hg19) VCF-style: chr10-100195446-G-C.
Other names: c.-716C>G (NM_001311345.2); c.201C>G, p.Asp67Glu (NM_001322476.2, NM_001322477.2, NM_001322478.2 and 8 more transcripts); c.-26C>G (NM_001322483.2, NM_001322484.2, NM_001322485.2); c.-815C>G (NM_001322487.2); c.-573C>G (NM_001322489.2); short protein forms D67E.
Identifiers: ClinVar variation 1367624 (VCV001367624.6), dbSNP rs973290077, ClinGen allele CA378055584.
Genomic context (GRCh38, chr10:98,435,689, plus strand): 5'-ACTCACCAGGTGAAGGACATACAGGAAGTTGCCATTTTCCGTGGAGAAGCAGGTGTAGGT[G>C]TCCGAGAGCTTCTCCAGCATCGTCATGGAGGAGATGATGACCGGGGCTAGGAGGGTGCTG-3'
Protein context (NP_000186.2, residues 57-77): SSMTMLEKLS[Asp67Glu]TYTCFSTENG

ClinVar aggregate classification (germline): Uncertain significance. Review status: criteria provided, multiple submitters, no conflicts (2 of 4 stars). 2 submissions from 2 submitters: Uncertain significance (2). Last evaluated 2022-08-15.

Conditions:
Hermansky-Pudlak syndrome 1 (HPS1). Also called: DELTA STORAGE POOL DISEASE. Identifiers: Orphanet 231500, Orphanet 79430, MedGen C2931875, MONDO:0008748, OMIM 203300.

gnomAD v4.1: 4 of 1,613,928 alleles (0.00025%); highest among the groups gnomAD compares: Non-Finnish European, 0.00025%; no homozygotes.

Submissions (2):

Labcorp Genetics (formerly Invitae), Labcorp
Classification: Uncertain significance. Last evaluated: 2022-08-15. Review status: criteria provided, single submitter. Criteria: Invitae Variant Classification Sherloc (09022015). Collection method: clinical testing. Allele origin: germline.
Comment: This sequence change replaces aspartic acid, which is acidic and polar, with glutamic acid, which is acidic and polar, at codon 67 of the HPS1 protein (p.Asp67Glu). This variant is not present in population databases (gnomAD no frequency). This variant has not been reported in the literature in individuals affected with HPS1-related conditions. ClinVar contains an entry for this variant (Variation ID: 1367624). Algorithms developed to predict the effect of missense changes on protein structure and function are either unavailable or do not agree on the potential impact of this missense change (SIFT: "Deleterious"; PolyPhen-2: "Probably Damaging"; Align-GVGD: "Class C0"). In summary, the available evidence is currently insufficient to determine the role of this variant in disease. Therefore, it has been classified as a Variant of Uncertain Significance.

Fulgent Genetics
Classification: Uncertain significance for Hermansky-Pudlak syndrome 1. Last evaluated: 2022-04-11. Review status: criteria provided, single submitter. Criteria: ACMG Guidelines, 2015. Collection method: clinical testing. Allele origin: unknown.